The following continues an entry in ClinVar:

NM_001171.6(ABCC6):c.3507-3C>T

Gene: ABCC6. ClinVar aggregate classification (germline): Benign/Likely benign. Benign (9); Likely benign (4).

Submissions 31 to 44 of 44:

Dr. Peter K. Rogan Lab, Western University
No classification provided (evidence only). Condition: Acute myeloid leukemia. Review status: no classification provided. Collection method: in vitro. Allele origin: not applicable. Functional consequence: retained intron. Not counted in ClinVar's aggregate classification.

Dr. Peter K. Rogan Lab, Western University
No classification provided (evidence only). Condition: Acute myeloid leukemia. Review status: no classification provided. Collection method: in vitro. Allele origin: not applicable. Functional consequence: retained intron. Not counted in ClinVar's aggregate classification.

Dr. Peter K. Rogan Lab, Western University
No classification provided (evidence only). Condition: Colon adenocarcinoma. Review status: no classification provided. Collection method: in vitro. Allele origin: not applicable. Functional consequence: retained intron. Not counted in ClinVar's aggregate classification.

Dr. Peter K. Rogan Lab, Western University
No classification provided (evidence only). Condition: Uterine corpus endometrial carcinoma. Review status: no classification provided. Collection method: in vitro. Allele origin: not applicable. Functional consequence: retained intron. Not counted in ClinVar's aggregate classification.

Dr. Peter K. Rogan Lab, Western University
No classification provided (evidence only). Condition: Sarcoma. Review status: no classification provided. Collection method: in vitro. Allele origin: not applicable. Functional consequence: retained intron. Not counted in ClinVar's aggregate classification.

Dr. Peter K. Rogan Lab, Western University
No classification provided (evidence only). Condition: Nonpapillary renal cell carcinoma. Review status: no classification provided. Collection method: in vitro. Allele origin: not applicable. Functional consequence: retained intron. Not counted in ClinVar's aggregate classification.

Dr. Peter K. Rogan Lab, Western University
No classification provided (evidence only). Condition: Nonpapillary renal cell carcinoma. Review status: no classification provided. Collection method: in vitro. Allele origin: not applicable. Functional consequence: retained intron. Not counted in ClinVar's aggregate classification.

Dr. Peter K. Rogan Lab, Western University
No classification provided (evidence only). Condition: Thymoma. Review status: no classification provided. Collection method: in vitro. Allele origin: not applicable. Functional consequence: retained intron. Not counted in ClinVar's aggregate classification.

Dr. Peter K. Rogan Lab, Western University
No classification provided (evidence only). Condition: Ovarian serous cystadenocarcinoma. Review status: no classification provided. Collection method: in vitro. Allele origin: not applicable. Functional consequence: retained intron. Not counted in ClinVar's aggregate classification.

Dr. Peter K. Rogan Lab, Western University
No classification provided (evidence only). Condition: Gastric cancer. Review status: no classification provided. Collection method: in vitro. Allele origin: not applicable. Functional consequence: retained intron. Not counted in ClinVar's aggregate classification.

Dr. Peter K. Rogan Lab, Western University
No classification provided (evidence only). Condition: Malignant tumor of esophagus. Review status: no classification provided. Collection method: in vitro. Allele origin: not applicable. Functional consequence: retained intron. Not counted in ClinVar's aggregate classification.

Dr. Peter K. Rogan Lab, Western University
No classification provided (evidence only). Condition: Malignant tumor of esophagus. Review status: no classification provided. Collection method: in vitro. Allele origin: not applicable. Functional consequence: retained intron. Not counted in ClinVar's aggregate classification.

Genome Diagnostics Laboratory, University Medical Center Utrecht
Classification: Likely benign. Review status: no assertion criteria provided. Collection method: clinical testing. Allele origin: germline. Affected: yes. Study: VKGL Data-share Consensus. Not counted in ClinVar's aggregate classification.

Laboratory of Diagnostic Genome Analysis, Leiden University Medical Center (LUMC)
Classification: Likely benign. Review status: no assertion criteria provided. Collection method: clinical testing. Allele origin: germline. Affected: yes. Study: VKGL Data-share Consensus. Not counted in ClinVar's aggregate classification.

Literature cited by the submitters: PubMed 16086317 (cited by Mayo Clinic Laboratories, Mayo Clinic); PubMed 16835894 (cited by Mayo Clinic Laboratories, Mayo Clinic); PubMed 27884173 (cited by Mayo Clinic Laboratories, Mayo Clinic); PubMed 36317459 (cited by Mayo Clinic Laboratories, Mayo Clinic).